The following is an entry in ClinVar:

ClinVar aggregate classification (germline): Uncertain significance (1 of 4 stars; one submission).

Submission:

CeGaT Center for Human Genetics Tuebingen
Classification: Uncertain significance. Last evaluated: 2023-02-01. Review status: criteria provided, single submitter. Criteria: CeGaT Center For Human Genetics Tuebingen Variant Classification Criteria Version 2. Collection method: clinical testing. Allele origin: germline. Affected: yes. Observed: 1 variant allele.
Comment: RORB: PM2, PP2, PP3

NM_006914.4(RORB):c.844G>A (p.Gly282Ser)

Gene: RORB (RAR related orphan receptor B; plus strand). Cytogenetic location: 9q21.13.
Variant type: single nucleotide variant.
Coding change: c.844G>A on transcript NM_006914.4 (MANE Select); coding-DNA position 844, G replaced by A.
Protein change: p.Gly282Ser; replaces glycine 282 with serine.
Molecular consequence: missense variant.
Genome position (GRCh38, 1-based): chr9:74,662,558, G>A. VCF-style: chr9-74662558-G-A. GRCh37 (hg19) VCF-style: chr9-77277474-G-A.
Other names: c.877G>A, p.Gly293Ser (NM_001365023.1); short protein forms G282S, G293S.
Identifiers: ClinVar variation 2659257 (VCV002659257.24), dbSNP rs2489626351, ClinGen allele CA373770836.
Genomic context (GRCh38, chr9:74,662,558, plus strand): 5'-TGTGCCATCCAGATCACTCACGCCATCCAATACGTGGTGGAGTTTGCAAAGCGGATAACA[G>A]GCTTCATGGAGCTCTGTCAAAATGATCAAATTCTACTTCTGAAGTCAGGTAAGCAAGAAG-3'
Protein context (NP_008845.2, residues 272-292): YVVEFAKRIT[Gly282Ser]FMELCQNDQI